The following is an entry in ClinVar:

NM_182961.4(SYNE1):c.24127G>T (p.Glu8043Ter)

Gene: SYNE1 (spectrin repeat containing nuclear envelope protein 1; minus strand). Cytogenetic location: 6q25.2.
Variant type: single nucleotide variant.
Coding change: c.24127G>T on transcript NM_182961.4 (MANE Select); coding-DNA position 24127, G replaced by T.
Protein change: p.Glu8043Ter; replaces glutamic acid 8043 with a stop codon.
Molecular consequence: nonsense.
Genome position (GRCh38, 1-based): chr6:152,154,894, C>A on the plus strand (G>T on the coding strand, the complement: SYNE1 is on the minus strand). VCF-style: chr6-152154894-C-A. GRCh37 (hg19) VCF-style: chr6-152476029-C-A.
Other names: c.733G>T, p.Glu245Ter (NM_001347701.2); c.592G>T, p.Glu198Ter (NM_001347702.2); c.23914G>T, p.Glu7972Ter (NM_033071.5); short protein forms E7972*, E8043*, E245*, E198*.
Identifiers: ClinVar variation 379276 (VCV000379276.2), dbSNP rs1057520552, ClinGen allele CA16604879.

ClinVar aggregate classification (germline): Pathogenic (1 of 4 stars; one submission).

Submission:

GeneDx
Classification: Pathogenic. Last evaluated: 2015-03-11. Review status: criteria provided, single submitter. Criteria: GeneDx Variant Classification (06012015). Collection method: clinical testing. Allele origin: germline. Affected: yes.
Comment: The E7972X variant in the SYNE1 gene has not been reported previously as a pathogenic variant,nor as a benign polymorphism, to our knowledge. This variant is predicted to cause loss of normal proteinfunction either through protein truncation or nonsense-mediated mRNA decay. The E7972X variant wasnot observed in approximately 6500 individuals of European and African American ancestry in the NHLBIExome Sequencing Project, indicating it is not a common benign variant in these populations. We interpretE7972X as a pathogenic variant.